The following is an entry in ClinVar:

ClinVar aggregate classification (germline): Uncertain significance. Review status: criteria provided, multiple submitters, no conflicts (2 of 4 stars). 2 submissions from 2 submitters: Uncertain significance (2). Last evaluated 2025-03-03.

Conditions:
Inborn genetic diseases. Identifiers: MedGen C0950123, MeSH D030342.

Allele frequency attached by ClinVar (database versions not stated): ExAC 0.00001; gnomAD exomes 0.00001; TOPMed 0.00002; gnomAD 0.00005; 1000 Genomes Project 30x 0.00016; 1000 Genomes Project 0.00020.
gnomAD v4.1: 21 of 1,609,606 alleles (0.0013%); highest among the groups gnomAD compares: African/African-American, 0.02%; no homozygotes.

Submissions (2):

Labcorp Genetics (formerly Invitae), Labcorp
Classification: Uncertain significance. Last evaluated: 2025-03-03. Review status: criteria provided, single submitter. Criteria: Invitae Variant Classification Sherloc (09022015). Collection method: clinical testing. Allele origin: germline.
Comment: This sequence change replaces glutamic acid, which is acidic and polar, with glycine, which is neutral and non-polar, at codon 164 of the FOCAD protein (p.Glu164Gly). This variant is present in population databases (rs376024522, gnomAD 0.01%). This variant has not been reported in the literature in individuals affected with FOCAD-related conditions. ClinVar contains an entry for this variant (Variation ID: 2591260). In summary, the available evidence is currently insufficient to determine the role of this variant in disease. Therefore, it has been classified as a Variant of Uncertain Significance.

Ambry Genetics
Classification: Uncertain significance for Inborn genetic diseases. Last evaluated: 2023-11-21. Review status: criteria provided, single submitter. Criteria: Ambry Variant Classification Scheme 2023. Collection method: clinical testing. Allele origin: germline.
Comment: The c.491A>G (p.E164G) alteration is located in exon 8 (coding exon 5) of the FOCAD gene. This alteration results from an A to G substitution at nucleotide position 491, causing the glutamic acid (E) at amino acid position 164 to be replaced by a glycine (G). Based on data from gnomAD, the G allele has an overall frequency of 0.001% (3/280912) total alleles studied. The highest observed frequency was 0.012% (3/24892) of African alleles. This amino acid position is highly conserved in available vertebrate species. This alteration is predicted to be tolerated by in silico analysis. Based on insufficient or conflicting evidence, the clinical significance of this alteration remains unclear.

NM_001375567.1(FOCAD):c.491A>G (p.Glu164Gly)

Gene: FOCAD (focadhesin; plus strand). Cytogenetic location: 9p21.3.
Variant type: single nucleotide variant.
Coding change: c.491A>G on transcript NM_001375567.1 (MANE Select); coding-DNA position 491, A replaced by G.
Protein change: p.Glu164Gly; replaces glutamic acid 164 with glycine.
Molecular consequence: missense variant.
Genome position (GRCh38, 1-based): chr9:20,758,188, A>G. VCF-style: chr9-20758188-A-G. GRCh37 (hg19) VCF-style: chr9-20758187-A-G.
Other names: c.491A>G, p.Glu164Gly (NM_001375568.1, NM_017794.5); c.386A>G, p.Glu129Gly (NM_001375570.1); short protein forms E164G, E129G.
Identifiers: ClinVar variation 2591260 (VCV002591260.3), dbSNP rs376024522, ClinGen allele CA5006362.
Genomic context (GRCh38, chr9:20,758,188, plus strand): 5'-GACCTGATTGCTGGCCAGTGTTTTTGCAGCAGCTGACAGCGTTTTTCCAGCAGTGCCCTG[A>G]AAGGTAATGTAAAATAAAAGTGTAAAATAAAGTGAGGGAGACAGAATGGTATATGCTAAT-3'
Protein context (NP_001362496.1, residues 154-174): QLTAFFQQCP[Glu164Gly]RLEVSCIQIM